The following is an entry in ClinVar:

ClinVar aggregate classification (germline): Conflicting classifications of pathogenicity. Review status: criteria provided, conflicting classifications (1 of 4 stars). 4 submissions from 4 submitters: Uncertain significance (3); Likely benign (1). Last evaluated 2025-12-12.

Conditions:
Neurofibromatosis-Noonan syndrome (NFNS). Also called: NEUROFIBROMATOSIS WITH NOONAN PHENOTYPE. Identifiers: Orphanet 638, MedGen C2931482, MONDO:0011035, OMIM 601321. Disease mechanism: loss of function.
Café-au-lait macules with pulmonary stenosis (WTSN). Also called: PULMONIC STENOSIS WITH CAFE-AU-LAIT SPOTS. Identifiers: MedGen C0553586, MONDO:0008672, OMIM 193520.
Neurofibromatosis, type 1 (NF1). Also called: VON RECKLINGHAUSEN DISEASE; NEUROFIBROMATOSIS, TYPE I, SOMATIC; Peripheral type neurofibromatosis; Neurofibromatosis, type I. Identifiers: Orphanet 636, MedGen C0027831, MONDO:0018975, OMIM 162200. Disease mechanism: loss of function.
Neurofibromatosis, familial spinal (FSNF). Identifiers: Orphanet 636, MedGen C1834235, MONDO:0008078, OMIM 162210. Disease mechanism: loss of function.
Juvenile myelomonocytic leukemia (JMML). Also called: LEUKEMIA, JUVENILE MYELOMONOCYTIC, SOMATIC. Identifiers: Orphanet 86834, MedGen C0349639, MONDO:0011908, OMIM 607785, HP:0012209.
Hereditary cancer-predisposing syndrome. Also called: Neoplastic Syndromes, Hereditary; Tumor predisposition; Hereditary Cancer Syndrome; Hereditary neoplastic syndrome. Identifiers: Orphanet 140162, MedGen C0027672, MeSH D009386, MONDO:0015356.
Cardiovascular phenotype. Identifiers: MedGen CN230736.

Allele frequency attached by ClinVar (database versions not stated): gnomAD exomes below 0.00001; ExAC 0.00001; gnomAD 0.00001; TOPMed 0.00001.
gnomAD v4.1: 7 of 1,613,726 alleles (0.00043%); highest among the groups gnomAD compares: Middle Eastern, 0.016%; no homozygotes.

Submissions (4):

Labcorp Genetics (formerly Invitae), Labcorp
Classification: Likely benign for Neurofibromatosis, type 1. Last evaluated: 2025-12-12. Review status: criteria provided, single submitter. Criteria: Invitae Variant Classification Sherloc (09022015). Collection method: clinical testing. Allele origin: germline.

Ambry Genetics
Classification: Uncertain significance for Cardiovascular phenotype; Hereditary cancer-predisposing syndrome. Last evaluated: 2024-07-22. Review status: criteria provided, single submitter. Criteria: Ambry Variant Classification Scheme 2023. Collection method: clinical testing. Allele origin: germline.
Comment: The p.R914W variant (also known as c.2740C>T), located in coding exon 21 of the NF1 gene, results from a C to T substitution at nucleotide position 2740. The arginine at codon 914 is replaced by tryptophan, an amino acid with dissimilar properties. This alteration has been reported with a carrier frequency of 0.0000 in 7051 unselected breast cancer patients and 0.00009 in 11241 female controls of Japanese ancestry (Momozawa Y et al. Nat Commun, 2018 10;9:4083). This alteration has also been reported in two individuals with >5 cafe-au-lait macules. One of the individuals was reported to have abnormal development and pulmonic stenosis and was reported to carry a second variant in NF1 (deletion exons 2-3) (Koczkowska M et al. Am. J. Hum. Genet., 2018 01;102:69-87). This amino acid position is highly conserved in available vertebrate species. In addition, this alteration is predicted to be deleterious by in silico analysis. Since supporting evidence is limited at this time, the clinical significance of this alteration remains unclear.

GeneDx
Classification: Uncertain significance. Last evaluated: 2023-04-26. Review status: criteria provided, single submitter. Criteria: GeneDx Variant Classification Process June 2021. Collection method: clinical testing. Allele origin: germline. Affected: yes.
Comment: In silico analysis supports that this missense variant has a deleterious effect on protein structure/function; Identified in individuals with cafe au lait macules, and one individual also harbored a multi-exon deletion in NF1 (Koczkowska et al., 2018); This variant is associated with the following publications: (PMID: 29290338, 30287823, 25486365, 2121369)

Fulgent Genetics
Classification: Uncertain significance for Neurofibromatosis, type 1; Neurofibromatosis, familial spinal; Café-au-lait macules with pulmonary stenosis; Neurofibromatosis-Noonan syndrome; Juvenile myelomonocytic leukemia. Last evaluated: 2022-03-14. Review status: criteria provided, single submitter. Criteria: ACMG Guidelines, 2015. Collection method: clinical testing. Allele origin: unknown.

Literature cited by the submitters: PubMed 29290338 (cited by Ambry Genetics); PubMed 30287823 (cited by Ambry Genetics).

NM_001042492.3(NF1):c.2740C>T (p.Arg914Trp)

Gene: NF1 (neurofibromin 1; plus strand). Cytogenetic location: 17q11.2.
Variant type: single nucleotide variant.
Coding change: c.2740C>T on transcript NM_001042492.3 (MANE Select); coding-DNA position 2740, C replaced by T.
Protein change: p.Arg914Trp; replaces arginine 914 with tryptophan.
Molecular consequence: missense variant.
Genome position (GRCh38, 1-based): chr17:31,229,355, C>T. VCF-style: chr17-31229355-C-T. GRCh37 (hg19) VCF-style: chr17-29556373-C-T.
Other names: c.2740C>T, p.Arg914Trp (NM_000267.4); short protein forms R914W.
Identifiers: ClinVar variation 566843 (VCV000566843.12), dbSNP rs765848298, ClinGen allele CA8486019.